The following is an entry in ClinVar:

NM_020458.4(TTC7A):c.719T>C (p.Leu240Pro)

Gene: TTC7A (tetratricopeptide repeat domain 7A; plus strand). Cytogenetic location: 2p21.
Variant type: single nucleotide variant.
Coding change: c.719T>C on transcript NM_020458.4 (MANE Select); coding-DNA position 719, T replaced by C.
Protein change: p.Leu240Pro; replaces leucine 240 with proline.
Molecular consequence: missense variant. On other transcripts: 5 prime UTR variant (1).
Genome position (GRCh38, 1-based): chr2:46,978,862, T>C. VCF-style: chr2-46978862-T-C. GRCh37 (hg19) VCF-style: chr2-47206001-T-C.
Other names: c.719T>C, p.Leu240Pro (NM_001288951.2); c.617T>C, p.Leu206Pro (NM_001288953.2); c.-186T>C (NM_001288955.2); short protein forms L206P, L240P.
Identifiers: ClinVar variation 1011477 (VCV001011477.10), dbSNP rs1392469315, ClinGen allele CA346723826.

ClinVar aggregate classification (germline): Uncertain significance (1 of 4 stars; one submission).

Conditions:
Multiple gastrointestinal atresias. Also called: Multiple intestinal atresia; FAMILIAL INTESTINAL POLYATRESIA SYNDROME. Identifiers: Orphanet 2300, MedGen C0220744, MONDO:0009465.

gnomAD v4.1: 1 of 1,614,094 alleles (0.000062%); highest among the groups gnomAD compares: Non-Finnish European, 0.000085%; no homozygotes.

Submission:

Labcorp Genetics (formerly Invitae), Labcorp
Classification: Uncertain significance for Multiple gastrointestinal atresias. Last evaluated: 2020-02-23. Review status: criteria provided, single submitter. Criteria: Invitae Variant Classification Sherloc (09022015). Collection method: clinical testing. Allele origin: germline.
Comment: This variant is not present in population databases (ExAC no frequency). This sequence change replaces leucine with proline at codon 240 of the TTC7A protein (p.Leu240Pro). The leucine residue is highly conserved and there is a moderate physicochemical difference between leucine and proline. This variant has not been reported in the literature in individuals with TTC7A-related conditions. Algorithms developed to predict the effect of missense changes on protein structure and function are either unavailable or do not agree on the potential impact of this missense change (SIFT: "Deleterious"; PolyPhen-2: "Probably Damaging"; Align-GVGD: "Class C0"). In summary, the available evidence is currently insufficient to determine the role of this variant in disease. Therefore, it has been classified as a Variant of Uncertain Significance.